The following is an entry in ClinVar:

ClinVar aggregate classification (germline): Likely pathogenic (1 of 4 stars; one submission).

Conditions:
Alkaline ceramidase 3 deficiency. Also called: LEUKODYSTROPHY, PROGRESSIVE, EARLY CHILDHOOD-ONSET. Identifiers: Orphanet 502444, MedGen C4540358, MONDO:0044718, OMIM 617762.

Allele frequency attached by ClinVar (database versions not stated): gnomAD 0.00001; gnomAD exomes 0.00001; ExAC 0.00003.
gnomAD v4.1: 11 of 1,596,188 alleles (0.00069%); highest among the groups gnomAD compares: African/African-American, 0.0014%; no homozygotes.

Submission:

Women's Health and Genetics/Laboratory Corporation of America, LabCorp
Classification: Likely pathogenic for Alkaline ceramidase 3 deficiency. Last evaluated: 2019-11-20. Review status: criteria provided, single submitter. Criteria: LabCorp Variant Classification Summary - May 2015. Collection method: clinical testing. Allele origin: germline.
Comment: Variant summary: ACER3 c.475C>T (p.Arg159X) results in a premature termination codon, predicted to cause a truncation of the encoded protein or absence of the protein due to nonsense mediated decay, which are commonly known mechanisms for disease. The variant allele was found at a frequency of 1.3e-05 in 234686 control chromosomes (gnomAD). To our knowledge, no occurrence of c.475C>T in individuals affected with Leukodystrophy, progressive, early childhood-onset and no experimental evidence demonstrating its impact on protein function have been reported. No clinical diagnostic laboratories have submitted clinical-significance assessments for this variant to ClinVar after 2014. Based on the evidence outlined above, the variant was classified as likely pathogenic.

NM_018367.7(ACER3):c.475C>T (p.Arg159Ter)

Gene: ACER3 (alkaline ceramidase 3; plus strand). Cytogenetic location: 11q13.5.
Variant type: single nucleotide variant.
Coding change: c.475C>T on transcript NM_018367.7 (MANE Select); coding-DNA position 475, C replaced by T.
Protein change: p.Arg159Ter; replaces arginine 159 with a stop codon.
Molecular consequence: nonsense.
Genome position (GRCh38, 1-based): chr11:76,998,799, C>T. VCF-style: chr11-76998799-C-T. GRCh37 (hg19) VCF-style: chr11-76709843-C-T.
Other names: c.364C>T, p.Arg122Ter (NM_001300953.2); c.190C>T, p.Arg64Ter (NM_001300954.2, NM_001300955.2); short protein forms R122*, R159*, R64*.
Identifiers: ClinVar variation 928843 (VCV000928843.1), dbSNP rs782329790, ClinGen allele CA6195710.